The following is an entry in ClinVar:

NM_000059.4(BRCA2):c.9513A>G (p.Ile3171Met)

Gene: BRCA2 (BRCA2 DNA repair associated; plus strand). Cytogenetic location: 13q13.1.
Variant type: single nucleotide variant.
Coding change: c.9513A>G on transcript NM_000059.4 (MANE Select); coding-DNA position 9513, A replaced by G.
Protein change: p.Ile3171Met; replaces isoleucine 3171 with methionine.
Molecular consequence: missense variant. On other transcripts: non-coding transcript variant (1).
Genome position (GRCh38, 1-based): chr13:32,396,909, A>G. VCF-style: chr13-32396909-A-G. GRCh37 (hg19) VCF-style: chr13-32971046-A-G.
Other names: c.9417A>G, p.Ile3139Met (NM_001406719.1); c.9462A>G, p.Ile3154Met (NM_001406720.1); c.4581A>G, p.Ile1527Met (NM_001406721.1); c.3096A>G, p.Ile1032Met (NM_001406722.1); short protein forms I3171M, I1527M, I3154M, I1032M, I3139M.
Identifiers: ClinVar variation 2820576 (VCV002820576.3), dbSNP rs2137658761, ClinGen allele CA387762885.

ClinVar aggregate classification (germline): Uncertain significance (1 of 4 stars; one submission).

Conditions:
Hereditary breast ovarian cancer syndrome. Also called: Hereditary breast and ovarian cancer; BRCA1- and BRCA2-Associated Hereditary Breast and Ovarian Cancer; Hereditary breast and ovarian cancer syndrome; Breast and ovarian cancer; Hereditary breast and ovarian cancer syndrome (HBOC); Hereditary breast and/or ovarian cancer syndrome. Identifiers: Orphanet 145, MedGen C0677776, MeSH D061325, MONDO:0003582. Disease mechanism: loss of function.

Allele frequency attached by ClinVar (database versions not stated): gnomAD exomes below 0.00001.
gnomAD v4.1: 1 of 1,614,130 alleles (0.000062%); highest among the groups gnomAD compares: Non-Finnish European, 0.000085%; no homozygotes.

Submission:

Labcorp Genetics (formerly Invitae), Labcorp
Classification: Uncertain significance for Hereditary breast ovarian cancer syndrome. Last evaluated: 2024-04-10. Review status: criteria provided, single submitter. Criteria: Invitae Variant Classification Sherloc (09022015). Collection method: clinical testing. Allele origin: germline.
Comment: This sequence change replaces isoleucine, which is neutral and non-polar, with methionine, which is neutral and non-polar, at codon 3171 of the BRCA2 protein (p.Ile3171Met). This variant is not present in population databases (gnomAD no frequency). This missense change has been observed in individual(s) with breast cancer (PMID: 20104584). Advanced modeling of protein sequence and biophysical properties (such as structural, functional, and spatial information, amino acid conservation, physicochemical variation, residue mobility, and thermodynamic stability) performed at Invitae indicates that this missense variant is not expected to disrupt BRCA2 protein function with a negative predictive value of 95%. In summary, the available evidence is currently insufficient to determine the role of this variant in disease. Therefore, it has been classified as a Variant of Uncertain Significance.

Literature cited by the submitters: PubMed 20104584.